The following is an entry in ClinVar:

NM_030632.3(ASXL3):c.3464C>A (p.Ser1155Ter)

Gene: ASXL3 (ASXL transcriptional regulator 3; plus strand). Cytogenetic location: 18q12.1.
Variant type: single nucleotide variant.
Coding change: c.3464C>A on transcript NM_030632.3 (MANE Select); coding-DNA position 3464, C replaced by A.
Protein change: p.Ser1155Ter; replaces serine 1155 with a stop codon.
Molecular consequence: nonsense.
Genome position (GRCh38, 1-based): chr18:33,743,312, C>A. VCF-style: chr18-33743312-C-A. GRCh37 (hg19) VCF-style: chr18-31323276-C-A.
Other names: short protein forms S1155*.
Identifiers: ClinVar variation 426517 (VCV000426517.9), dbSNP rs377619533, ClinGen allele CA402185394.

ClinVar aggregate classification (germline): Pathogenic/Likely pathogenic. Review status: criteria provided, multiple submitters, no conflicts (2 of 4 stars). 3 submissions from 3 submitters: Pathogenic (1); Likely pathogenic (1). 1 of the submissions does not count toward it. Last evaluated 2019-08-27.

Conditions:
Bainbridge-Ropers syndrome. Also called: Severe feeding difficulties-failure to thrive-microcephaly due to ASXL3 deficiency syndrome. Identifiers: Orphanet 352577, MedGen C4750837, MONDO:0014205, OMIM 615485.
Global developmental delay (DD). Also called: Cognitive delay. Identifiers: MedGen C0557874, HP:0001263. Disease mechanism: loss of function.
Decreased activity of mitochondrial complex I. Identifiers: MedGen C2677650, HP:0011923.
Generalized hypotonia. Identifiers: MedGen C1858120, HP:0001290.
Gastrostomy tube feeding in infancy. Identifiers: MedGen C4023342, HP:0011471.
Absent speech. Also called: Absent speech development. Identifiers: MedGen C1854882, HP:0001344.

Submissions (3):

GeneDx
Classification: Pathogenic. Last evaluated: 2019-08-27. Review status: criteria provided, single submitter. Criteria: GeneDx Variant Classification Process June 2021. Collection method: clinical testing. Allele origin: germline. Affected: yes.
Comment: Nonsense variant in the C-terminus predicted to result in protein truncation, as the last 1094 amino acids are lost, and other loss-of-function variants have been reported downstream in the Human Gene Mutation Database (Stenson et al., 2014); Not observed in large population cohorts (Lek et al., 2016); Has not been previously published as pathogenic or benign to our knowledge; This variant is associated with the following publications: (PMID: 32581362, 31638014)

Juno Genomics, Hangzhou Juno Genomics, Inc
Classification: Likely pathogenic for Bainbridge-Ropers syndrome. Review status: criteria provided, single submitter. Criteria: ACMG Guidelines, 2015. Collection method: clinical testing. Allele origin: germline. Affected: yes.
Comment: Null variant in a gene where loss of function (LOF) is a known mechanism of disease.;Absent from controls (or at extremely low frequency if recessive) in Genome Aggregation Database, Exome Sequencing Project, 1000 Genomes Project, or Exome Aggregation Consortium.;The prevalence of the variant in affected individuals is significantly increased compared to the prevalence in controls.;Patient's phenotype or family history is highly specific for a disease with a single genetic etiology.;Assumed de novo, but without confirmation of paternity and maternity.

NIHR Bioresource Rare Diseases, University of Cambridge
Classification: Likely pathogenic for Global developmental delay; Generalized hypotonia; Absent speech; Gastrostomy tube feeding in infancy; Decreased activity of mitochondrial complex I. Review status: no assertion criteria provided. Collection method: research. Allele origin: unknown. Affected: yes. Observed: 1 variant allele. Not counted in ClinVar's aggregate classification.

Literature cited by the submitters: PubMed 32581362 (cited by NIHR Bioresource Rare Diseases, University of Cambridge).